The following is an entry in ClinVar:

NM_000465.4(BARD1):c.1204T>C (p.Ser402Pro)

Gene: BARD1 (BRCA1 associated RING domain 1; minus strand). Cytogenetic location: 2q35.
Variant type: single nucleotide variant.
Coding change: c.1204T>C on transcript NM_000465.4 (MANE Select); coding-DNA position 1204, T replaced by C.
Protein change: p.Ser402Pro; replaces serine 402 with proline.
Molecular consequence: missense variant. On other transcripts: non-coding transcript variant (2), intron variant (3).
Genome position (GRCh38, 1-based): chr2:214,780,670, A>G on the plus strand (T>C on the coding strand, the complement: BARD1 is on the minus strand). VCF-style: chr2-214780670-A-G. GRCh37 (hg19) VCF-style: chr2-215645394-A-G.
Other names: c.1147T>C, p.Ser383Pro (NM_001282543.2); c.159-28115T>C (NM_001282548.2); c.215+16391T>C (NM_001282545.2); c.364+11627T>C (NM_001282549.2); short protein forms S402P, S383P.
Identifiers: ClinVar variation 482771 (VCV000482771.16), dbSNP rs1375796276, ClinGen allele CA350453739.

ClinVar aggregate classification (germline): Conflicting classifications of pathogenicity. Review status: criteria provided, conflicting classifications (1 of 4 stars). 3 submissions from 3 submitters: Uncertain significance (2); Likely benign (1). Last evaluated 2024-06-22.

Conditions:
Hereditary cancer-predisposing syndrome. Also called: Neoplastic Syndromes, Hereditary; Tumor predisposition; Hereditary Cancer Syndrome; Hereditary neoplastic syndrome. Identifiers: Orphanet 140162, MedGen C0027672, MeSH D009386, MONDO:0015356.
Familial cancer of breast. Also called: BREAST CANCER, FAMILIAL; Hereditary breast cancer; hereditary breast carcinoma. Identifiers: Orphanet 227535, MedGen C0346153, MONDO:0016419, OMIM 114480. Disease mechanism: loss of function.

Allele frequency attached by ClinVar (database versions not stated): gnomAD exomes below 0.00001.
gnomAD v4.1: 1 of 1,614,086 alleles (0.000062%); highest among the groups gnomAD compares: Admixed American, 0.0017%; no homozygotes.

Submissions (3):

Labcorp Genetics (formerly Invitae), Labcorp
Classification: Uncertain significance for Familial cancer of breast. Last evaluated: 2024-06-22. Review status: criteria provided, single submitter. Criteria: Invitae Variant Classification Sherloc (09022015). Collection method: clinical testing. Allele origin: germline.
Comment: This sequence change replaces serine, which is neutral and polar, with proline, which is neutral and non-polar, at codon 402 of the BARD1 protein (p.Ser402Pro). This variant is present in population databases (no rsID available, gnomAD 0.003%). This variant has not been reported in the literature in individuals affected with BARD1-related conditions. ClinVar contains an entry for this variant (Variation ID: 482771). Algorithms developed to predict the effect of missense changes on protein structure and function output the following: SIFT: "Not Available"; PolyPhen-2: "Benign"; Align-GVGD: "Not Available". The proline amino acid residue is found in multiple mammalian species, which suggests that this missense change does not adversely affect protein function. In summary, the available evidence is currently insufficient to determine the role of this variant in disease. Therefore, it has been classified as a Variant of Uncertain Significance.

Ambry Genetics
Classification: Likely benign for Hereditary cancer-predisposing syndrome. Last evaluated: 2024-01-03. Review status: criteria provided, single submitter. Criteria: Ambry Variant Classification Scheme 2023. Collection method: clinical testing. Allele origin: germline.

Baylor Genetics
Classification: Uncertain significance for Familial cancer of breast. Last evaluated: 2021-07-08. Review status: criteria provided, single submitter. Criteria: ACMG Guidelines, 2015. Collection method: clinical testing. Allele origin: unknown.